The following is an entry in ClinVar:

ClinVar aggregate classification (germline): Uncertain significance (1 of 4 stars; one submission).

Allele frequency attached by ClinVar (database versions not stated): TOPMed below 0.00001.

Submission:

Labcorp Genetics (formerly Invitae), Labcorp
Classification: Uncertain significance. Last evaluated: 2022-03-04. Review status: criteria provided, single submitter. Criteria: Invitae Variant Classification Sherloc (09022015). Collection method: clinical testing. Allele origin: germline.
Comment: This sequence change replaces asparagine, which is neutral and polar, with lysine, which is basic and polar, at codon 1112 of the NLRP1 protein (p.Asn1112Lys). This variant is not present in population databases (gnomAD no frequency). This variant has not been reported in the literature in individuals affected with NLRP1-related conditions. Algorithms developed to predict the effect of missense changes on protein structure and function output the following: SIFT: "Deleterious"; PolyPhen-2: "Possibly Damaging"; Align-GVGD: "Class C15". The lysine amino acid residue is found in multiple mammalian species, which suggests that this missense change does not adversely affect protein function. In summary, the available evidence is currently insufficient to determine the role of this variant in disease. Therefore, it has been classified as a Variant of Uncertain Significance.

NM_033004.4(NLRP1):c.3336C>A (p.Asn1112Lys)

Gene: NLRP1 (NLR family pyrin domain containing 1; minus strand). Cytogenetic location: 17p13.2.
Variant type: single nucleotide variant.
Coding change: c.3336C>A on transcript NM_033004.4 (MANE Select); coding-DNA position 3336, C replaced by A.
Protein change: p.Asn1112Lys; replaces asparagine 1112 with lysine.
Molecular consequence: missense variant.
Genome position (GRCh38, 1-based): chr17:5,530,665, G>T on the plus strand (C>A on the coding strand, the complement: NLRP1 is on the minus strand). VCF-style: chr17-5530665-G-T. GRCh37 (hg19) VCF-style: chr17-5433985-G-T.
Other names: c.3348C>A, p.Asn1116Lys (NM_001033053.3); c.3336C>A, p.Asn1112Lys (NM_014922.5); c.3246C>A, p.Asn1082Lys (NM_033006.4, NM_033007.4); short protein forms N1112K, N1082K, N1116K.
Identifiers: ClinVar variation 2106852 (VCV002106852.4), dbSNP rs1910121697, ClinGen allele CA397390905.